The following is an entry in ClinVar:

NM_000535.7(PMS2):c.1784T>C (p.Val595Ala)

Gene: PMS2 (PMS1 homolog 2, mismatch repair system component; minus strand). Cytogenetic location: 7p22.1.
Variant type: single nucleotide variant.
Coding change: c.1784T>C on transcript NM_000535.7 (MANE Select); coding-DNA position 1784, T replaced by C.
Protein change: p.Val595Ala; replaces valine 595 with alanine.
Molecular consequence: missense variant. On other transcripts: non-coding transcript variant (1).
Genome position (GRCh38, 1-based): chr7:5,986,981, A>G on the plus strand (T>C on the coding strand, the complement: PMS2 is on the minus strand). VCF-style: chr7-5986981-A-G. GRCh37 (hg19) VCF-style: chr7-6026612-A-G.
Other names: c.1379T>C, p.Val460Ala (NM_001322003.2, NM_001322004.2, NM_001322005.2 and 1 more transcripts); c.1628T>C, p.Val543Ala (NM_001322006.2); c.1466T>C, p.Val489Ala (NM_001322007.2, NM_001322008.2); c.1223T>C, p.Val408Ala (NM_001322010.2); c.851T>C, p.Val284Ala (NM_001322011.2, NM_001322012.2); c.1211T>C, p.Val404Ala (NM_001322013.2); c.1784T>C, p.Val595Ala (NM_001322014.2); c.1475T>C, p.Val492Ala (NM_001322015.2); short protein forms V595A, V489A, V460A, V284A, V404A, V408A, V492A, V543A.
Identifiers: ClinVar variation 492269 (VCV000492269.16), dbSNP rs1554297236, ClinGen allele CA366739871.

ClinVar aggregate classification (germline): Conflicting classifications of pathogenicity. Review status: criteria provided, conflicting classifications (1 of 4 stars). 3 submissions from 3 submitters: Uncertain significance (2); Likely benign (1). Last evaluated 2026-08-17.

Conditions:
Hereditary nonpolyposis colorectal neoplasms. Identifiers: MedGen C0009405, MeSH D003123.
Hereditary cancer-predisposing syndrome. Also called: Hereditary Cancer Syndrome; Tumor predisposition; Hereditary neoplastic syndrome; Neoplastic Syndromes, Hereditary. Identifiers: Orphanet 140162, MedGen C0027672, MeSH D009386, MONDO:0015356.

Submissions (3):

Ambry Genetics
Classification: Likely benign for Hereditary cancer-predisposing syndrome. Last evaluated: 2026-08-17. Review status: criteria provided, single submitter. Criteria: Ambry Variant Classification Scheme 2023. Collection method: clinical testing. Allele origin: germline.

Color Diagnostics, LLC DBA Color Health
Classification: Uncertain significance for Hereditary cancer-predisposing syndrome. Last evaluated: 2023-12-05. Review status: criteria provided, single submitter. Criteria: ACMG Guidelines, 2015. Collection method: clinical testing. Allele origin: germline.
Comment: This missense variant replaces valine with alanine at codon 595 of the PMS2 protein. Computational prediction suggests that this variant may not impact protein structure and function (internally defined REVEL score threshold <= 0.5, PMID: 27666373). To our knowledge, functional studies have not been reported for this variant. This variant has not been reported in individuals affected with PMS2-related disorders in the literature. This variant has not been identified in the general population by the Genome Aggregation Database (gnomAD). The available evidence is insufficient to determine the role of this variant in disease conclusively. Therefore, this variant is classified as a Variant of Uncertain Significance.

Labcorp Genetics (formerly Invitae), Labcorp
Classification: Uncertain significance for Hereditary nonpolyposis colorectal neoplasms. Last evaluated: 2021-09-07. Review status: criteria provided, single submitter. Criteria: Invitae Variant Classification Sherloc (09022015). Collection method: clinical testing. Allele origin: germline.
Comment: In summary, the available evidence is currently insufficient to determine the role of this variant in disease. Therefore, it has been classified as a Variant of Uncertain Significance. Algorithms developed to predict the effect of missense changes on protein structure and function (SIFT, PolyPhen-2, Align-GVGD) all suggest that this variant is likely to be tolerated. ClinVar contains an entry for this variant (Variation ID: 492269). This variant has not been reported in the literature in individuals affected with PMS2-related conditions. This variant is not present in population databases (ExAC no frequency). This sequence change replaces valine with alanine at codon 595 of the PMS2 protein (p.Val595Ala). The valine residue is weakly conserved and there is a small physicochemical difference between valine and alanine.